The following is an entry in ClinVar:

ClinVar aggregate classification (germline): Uncertain significance. Review status: criteria provided, multiple submitters, no conflicts (2 of 4 stars). 3 submissions from 2 submitters: Uncertain significance (3). Last evaluated 2025-06-03.

Conditions:
Hereditary nonpolyposis colorectal neoplasms. Identifiers: MedGen C0009405, MeSH D003123.
Hereditary cancer-predisposing syndrome. Also called: Neoplastic Syndromes, Hereditary; Hereditary neoplastic syndrome; Tumor predisposition; Hereditary Cancer Syndrome. Identifiers: Orphanet 140162, MedGen C0027672, MeSH D009386, MONDO:0015356.
Lynch syndrome. Identifiers: Orphanet 144, MedGen C4552100, MONDO:0005835. Disease mechanism: loss of function.

Submissions (3):

Color Diagnostics, LLC DBA Color Health
Classification: Uncertain significance for Hereditary cancer-predisposing syndrome. Last evaluated: 2025-06-03. Review status: criteria provided, single submitter. Criteria: ACMG Guidelines, 2015. Collection method: clinical testing. Allele origin: germline.
Comment: This variant deletes 1 basepair at the +5 position of intron 10 of the PMS2 gene. Splice site prediction tools predict that this variant may not have a significant impact on RNA splicing. To our knowledge, RNA studies have not been reported for this variant. This variant has not been reported in individuals affected with PMS2-related disorders in the literature. This variant has not been identified in the general population by the Genome Aggregation Database (gnomAD). The available evidence is insufficient to determine the role of this variant in disease conclusively. Therefore, this variant is classified as a Variant of Uncertain Significance.

Labcorp Genetics (formerly Invitae), Labcorp
Classification: Uncertain significance for Hereditary nonpolyposis colorectal neoplasms. Last evaluated: 2018-08-30. Review status: criteria provided, single submitter. Criteria: Invitae Variant Classification Sherloc (09022015). Collection method: clinical testing. Allele origin: germline.
Comment: This sequence change falls in intron 10 of the PMS2 gene. It does not directly change the encoded amino acid sequence of the PMS2 protein, but it affects a nucleotide within the consensus splice site of the intron. This variant is not present in population databases (ExAC no frequency). This variant has not been reported in the literature in individuals with PMS2-related disease. ClinVar contains an entry for this variant (Variation ID: 237880). Nucleotide substitutions within the consensus splice site are a relatively common cause of aberrant splicing (PMID: 17576681, 9536098). Algorithms developed to predict the effect of sequence changes on RNA splicing suggest that this variant is not likely to affect RNA splicing, but this prediction has not been confirmed by published transcriptional studies. In summary, the available evidence is currently insufficient to determine the role of this variant in disease. Therefore, it has been classified as a Variant of Uncertain Significance.

Labcorp Genetics (formerly Invitae), Labcorp
Classification: Uncertain significance for Hereditary nonpolyposis colorectal neoplasms. Last evaluated: 2016-01-30. Review status: criteria provided, single submitter. Criteria: Invitae Variant Classification Sherloc (09022015). Collection method: clinical testing. Allele origin: germline.

Literature cited by the submitters: PubMed 17576681 (cited by Labcorp Genetics (formerly Invitae), Labcorp); PubMed 9536098 (cited by Labcorp Genetics (formerly Invitae), Labcorp).

NM_000535.7(PMS2):c.1144+5del

Gene: PMS2 (PMS1 homolog 2, mismatch repair system component; minus strand). Cytogenetic location: 7p22.1.
Variant type: Deletion.
Coding change: c.1144+5del on transcript NM_000535.7 (MANE Select); 5 bases into the intron after coding-DNA position 1144, one base deleted (G; older notation c.1144+5delG).
Molecular consequence: intron variant.
Genome position (GRCh38, 1-based): chr7:5,989,795, C deleted on the plus strand (G on the coding strand, the reverse complement: PMS2 is on the minus strand). VCF-style (leftmost placement, unchanged base first): chr7-5989794-TC-T. GRCh37 (hg19) VCF-style: chr7-6029425-TC-T.
Other names: c.826+5del (NM_001322008.2, NM_001322007.2); c.584-2175del (NM_001322010.2); c.739+5del (NM_001322004.2, NM_001322003.2, NM_001322009.2 and 1 more transcripts); c.571+5del (NM_001322013.2); c.211+5del (NM_001322012.2, NM_001322011.2); c.835+5del (NM_001322015.2); c.989-2175del (NM_001322006.2); c.1144+5del (NM_001322014.2).
Identifiers: ClinVar variation 237880 (VCV000237880.8), dbSNP rs878854032, ClinGen allele CA10582514.